The following is an entry in ClinVar:

NM_002691.4(POLD1):c.1665C>T (p.Val555=)

Gene: POLD1 (DNA polymerase delta 1, catalytic subunit; plus strand). Cytogenetic location: 19q13.33.
Variant type: single nucleotide variant.
Coding change: c.1665C>T on transcript NM_002691.4 (MANE Select); coding-DNA position 1665, C replaced by T.
Protein change: p.Val555=; no amino-acid change (valine 555 retained).
Molecular consequence: synonymous variant. On other transcripts: non-coding transcript variant (1).
Genome position (GRCh38, 1-based): chr19:50,407,153, C>T. VCF-style: chr19-50407153-C-T. GRCh37 (hg19) VCF-style: chr19-50910410-C-T.
Other names: c.1665C>T, p.Val555= (NM_001256849.1, NM_001308632.1).
Identifiers: ClinVar variation 239248 (VCV000239248.80), dbSNP rs150238541, ClinGen allele CA9596197.

ClinVar aggregate classification (germline): Benign/Likely benign. Review status: criteria provided, multiple submitters, no conflicts (2 of 4 stars). 17 submissions from 17 submitters: Benign (7); Likely benign (7). 3 of the submissions do not count toward it. Last evaluated 2026-08-01.

Conditions:
Hereditary cancer-predisposing syndrome. Also called: Hereditary neoplastic syndrome; Hereditary Cancer Syndrome; Neoplastic Syndromes, Hereditary; Tumor predisposition. Identifiers: Orphanet 140162, MedGen C0027672, MeSH D009386, MONDO:0015356.
POLD1-related polyposis and colorectal cancer syndrome (CRCS10). Also called: COLORECTAL CANCER, SUSCEPTIBILITY TO, ON CHROMOSOME 19q; Colorectal cancer 10; Colorectal cancer, susceptibility to, 10. Identifiers: Orphanet 220460, MedGen C2675481, MONDO:0012953, OMIM 612591.
Malignant tumor of breast. Also called: Malignant breast neoplasm; Cancer breast. Identifiers: MedGen C0006142, MONDO:0007254. Disease mechanism: loss of function.

Allele frequency attached by ClinVar (database versions not stated): 1000 Genomes Project 0.00020; 1000 Genomes Project 30x 0.00031; gnomAD 0.00053 and 0.00058; TOPMed 0.00054; ESP Exome Variant Server 0.00069; gnomAD exomes 0.00078 and 0.00102; ExAC 0.00092.
gnomAD v4.1: 1,574 of 1,607,936 alleles (0.098%); highest among the groups gnomAD compares: South Asian, 0.18%; 4 homozygotes.

Submissions (17):

CeGaT Center for Human Genetics Tuebingen
Classification: Likely benign. Last evaluated: 2026-08-01. Review status: criteria provided, single submitter. Criteria: CeGaT Center For Human Genetics Tuebingen Variant Classification Criteria Version 2. Collection method: clinical testing. Allele origin: germline. Affected: yes. Observed: 15 variant alleles.
Comment: POLD1: BP4, BP7

Labcorp Genetics (formerly Invitae), Labcorp
Classification: Benign for POLD1-related polyposis and colorectal cancer syndrome. Last evaluated: 2026-01-28. Review status: criteria provided, single submitter. Criteria: Invitae Variant Classification Sherloc (09022015). Collection method: clinical testing. Allele origin: germline.

Molecular Diagnostics Laboratory, Catalan Institute of Oncology
Classification: Benign for Hereditary cancer-predisposing syndrome. Last evaluated: 2025-07-06. Review status: criteria provided, single submitter. Criteria: Submitter's publication. Collection method: clinical testing. Allele origin: germline.
Comment: BA1, BP4, BP7 c.1665C>T, located in exon 13 of the POLD1 gene, is predicted to result in no splicing alteration (according to SpliceAI) and no amino acid change, p.(Val555=)(BP4, BP7). The variant allele was found in 43/30400 alleles (2 homozygous), with a filtering allele frequency of 0.096% at 99% confidence, within the South Asian population in the gnomAD v2.1.1 database (non-cancer data set)(BA1). To our knowledge, neither relevant clinical data nor well-established functional studies have been reported for this variant. This variant has been reported in the ClinVar database (6x benign, 9x likely benign) and in LOVD (5x likely benign, 1x uncertain significance). Based on the currently available evidence, the variant c.1665C>T is classified as a benign variant according to POLE/POLD1-specific ACMG Guidelines (PMID 37848928).

Center for Genomic Medicine, Rigshospitalet, Copenhagen University Hospital
Classification: Likely benign. Last evaluated: 2025-03-04. Review status: criteria provided, single submitter. Criteria: ACMG Guidelines, 2015. Collection method: clinical testing. Allele origin: germline.

Myriad Genetics, Inc.
Classification: Benign for POLD1-related polyposis and colorectal cancer syndrome. Last evaluated: 2025-02-07. Review status: criteria provided, single submitter. Criteria: Myriad Autosomal Dominant, Autosomal Recessive and X-Linked Classification Criteria (2023). Collection method: clinical testing. Allele origin: unknown.
Comment: This variant is considered benign. This variant is a silent/synonymous amino acid change and it is not expected to impact splicing.

Blueprint Genetics
Classification: Likely benign. Last evaluated: 2024-08-22. Review status: criteria provided, single submitter. Criteria: ACMG Guidelines, 2015. Collection method: clinical testing. Allele origin: germline.

Genetic Services Laboratory, University of Chicago
Classification: Likely benign. Last evaluated: 2021-01-07. Review status: criteria provided, single submitter. Criteria: ACMG Guidelines, 2015. Collection method: clinical testing. Allele origin: germline. Affected: no.

Sema4
Classification: Benign for Hereditary cancer-predisposing syndrome. Last evaluated: 2020-10-01. Review status: criteria provided, single submitter. Criteria: Sema4 Curation Guidelines. Collection method: curation. Allele origin: germline.

ARUP Laboratories, Molecular Genetics and Genomics, ARUP Laboratories
Classification: Benign. Last evaluated: 2019-04-30. Review status: criteria provided, single submitter. Criteria: ARUP Molecular Germline Variant Investigation Process. Collection method: clinical testing. Allele origin: germline.

Quest Diagnostics Nichols Institute San Juan Capistrano
Classification: Benign. Last evaluated: 2018-10-26. Review status: criteria provided, single submitter. Criteria: Quest Diagnostics criteria. Collection method: clinical testing. Allele origin: germline.

GeneDx
Classification: Likely benign. Last evaluated: 2017-12-28. Review status: criteria provided, single submitter. Criteria: GeneDx Variant Classification (06012015). Collection method: clinical testing. Allele origin: germline. Affected: yes.
Comment: This variant is considered likely benign or benign based on one or more of the following criteria: it is a conservative change, it occurs at a poorly conserved position in the protein, it is predicted to be benign by multiple in silico algorithms, and/or has population frequency not consistent with disease.

PreventionGenetics, part of Exact Sciences
Classification: Benign. Last evaluated: 2017-01-30. Review status: criteria provided, single submitter. Criteria: ACMG Guidelines, 2015. Collection method: clinical testing. Allele origin: germline.

Ambry Genetics
Classification: Likely benign for Hereditary cancer-predisposing syndrome. Last evaluated: 2015-06-18. Review status: criteria provided, single submitter. Criteria: Ambry Variant Classification Scheme 2023. Collection method: clinical testing. Allele origin: germline.

Breakthrough Genomics
Classification: Likely benign. Review status: criteria provided, single submitter. Criteria: ACMG Guidelines, 2015. Collection method: not provided. Allele origin: germline. Inheritance: Autosomal dominant inheritance. Affected: yes.

True Health Diagnostics
Classification: Likely benign for Hereditary cancer-predisposing syndrome. Last evaluated: 2018-04-06. Review status: no assertion criteria provided. Collection method: clinical testing. Allele origin: germline. Not counted in ClinVar's aggregate classification.

Clinical Genetics DNA and cytogenetics Diagnostics Lab, Erasmus MC, Erasmus Medical Center
Classification: Likely benign. Review status: no assertion criteria provided. Collection method: clinical testing. Allele origin: germline. Affected: yes. Study: VKGL Data-share Consensus. Not counted in ClinVar's aggregate classification.

Department of Pathology and Laboratory Medicine, Sinai Health System
Classification: Likely benign for Malignant tumor of breast. Review status: no assertion criteria provided. Collection method: clinical testing. Allele origin: unknown. Affected: yes. Study: The Canadian Open Genetics Repository (COGR). Not counted in ClinVar's aggregate classification.
Comment: The POLD1 p.Val555= variant was not identified in the literature. The variant was identified in dbSNP (rs150238541) as â€šÃ„Ãºwith likely benign alleleâ€šÃ„Ã¹ and ClinVar (classified as likely benign by Ambry Genetics, GeneDx, True Health Diagnostics and 2 other submitters; and as benign by Invitae and Prevention Genetics). The variant was identified in control databases in 206 of 279,020 chromosomes (2 homozygous) at a frequency of 0.0007 (Genome Aggregation Database Feb 27, 2017). The variant was observed in the following populations: South Asian in 43 of 30,490 chromosomes (freq: 0.001), European in 142 of 126,522 chromosomes (freq: 0.001), Other in 4 of 7138 chromosomes (freq: 0.0006), Finnish in 13 of 24,740 chromosomes (freq: 0.0005), Ashkenazi Jewish in 1 of 10,192 chromosomes (freq: 0.0001), African in 2 of 24,900 chromosomes (freq: 0.00008), and Latino in 1 of 35,130 chromosomes (freq: 0.00003), while it was not observed in the East Asian population. The p.Val555= variant is not expected to have clinical significance because it does not result in a change of amino acid and is not located in a known consensus splice site. The variant occurs at a non-highly conserved nucleotide outside of the splicing consensus sequence and in silico or computational prediction software programs (SpliceSiteFinder, MaxEntScan, NNSPLICE, GeneSplicer) do not predict a difference in splicing. In summary, based on the above information, the clinical significance of this variant cannot be determined with certainty at this time although we would lean towards a more benign role for this variant. This variant is classified as likely benign.